The following is an entry in ClinVar:

ClinVar aggregate classification (germline): Uncertain significance. Review status: criteria provided, multiple submitters, no conflicts (2 of 4 stars). 2 submissions from 2 submitters: Uncertain significance (2). Last evaluated 2025-08-29.

Conditions:
Vitamin B2 deficiency. Identifiers: MedGen C0035528.

Allele frequency attached by ClinVar (database versions not stated): TOPMed 0.00001; gnomAD exomes 0.00003; ExAC 0.00001; gnomAD 0.00001.
gnomAD v4.1: 46 of 1,612,558 alleles (0.0029%); highest among the groups gnomAD compares: Non-Finnish European, 0.0035%; no homozygotes.

Submissions (2):

Labcorp Genetics (formerly Invitae), Labcorp
Classification: Uncertain significance for Vitamin B2 deficiency. Last evaluated: 2025-08-29. Review status: criteria provided, single submitter. Criteria: Invitae Variant Classification Sherloc (09022015). Collection method: clinical testing. Allele origin: germline.
Comment: This sequence change replaces alanine, which is neutral and non-polar, with threonine, which is neutral and polar, at codon 323 of the SLC52A1 protein (p.Ala323Thr). The frequency data for this variant in the population databases is considered unreliable, as metrics indicate poor data quality at this position in the gnomAD database. This variant has not been reported in the literature in individuals affected with SLC52A1-related conditions. ClinVar contains an entry for this variant (Variation ID: 2237059). Invitae Evidence Modeling of protein sequence and biophysical properties (such as structural, functional, and spatial information, amino acid conservation, physicochemical variation, residue mobility, and thermodynamic stability) indicates that this missense variant is not expected to disrupt SLC52A1 protein function with a negative predictive value of 80%. In summary, the available evidence is currently insufficient to determine the role of this variant in disease. Therefore, it has been classified as a Variant of Uncertain Significance.

Ambry Genetics
Classification: Uncertain significance. Last evaluated: 2021-07-14. Review status: criteria provided, single submitter. Criteria: Ambry Variant Classification Scheme 2023. Collection method: clinical testing. Allele origin: germline.

NM_017986.4(SLC52A1):c.967G>A (p.Ala323Thr)

Gene: SLC52A1 (solute carrier family 52 member 1; minus strand). Cytogenetic location: 17p13.2.
Variant type: single nucleotide variant.
Coding change: c.967G>A on transcript NM_017986.4 (MANE Select); coding-DNA position 967, G replaced by A.
Protein change: p.Ala323Thr; replaces alanine 323 with threonine.
Molecular consequence: missense variant.
Genome position (GRCh38, 1-based): chr17:5,033,522, C>T on the plus strand (G>A on the coding strand, the complement: SLC52A1 is on the minus strand). VCF-style: chr17-5033522-C-T. GRCh37 (hg19) VCF-style: chr17-4936817-C-T.
Other names: c.967G>A, p.Ala323Thr (NM_001104577.2); short protein forms A323T.
Identifiers: ClinVar variation 2237059 (VCV002237059.5), dbSNP rs564592833, ClinGen allele CA8319677.